The following is an entry in ClinVar:

NM_005883.3(APC2):c.63G>C (p.Glu21Asp)

Gene: APC2 (APC regulator of WNT signaling pathway 2; plus strand). Cytogenetic location: 19p13.3.
Variant type: single nucleotide variant.
Coding change: c.63G>C on transcript NM_005883.3 (MANE Select); coding-DNA position 63, G replaced by C.
Protein change: p.Glu21Asp; replaces glutamic acid 21 with aspartic acid.
Molecular consequence: missense variant.
Genome position (GRCh38, 1-based): chr19:1,453,064, G>C. VCF-style: chr19-1453064-G-C. GRCh37 (hg19) VCF-style: chr19-1453063-G-C.
Other names: c.63G>C, p.Glu21Asp (NM_001351273.1); short protein forms E21D.
Identifiers: ClinVar variation 2180274 (VCV002180274.1), dbSNP rs747551361, ClinGen allele CA9044589.

ClinVar aggregate classification (germline): Uncertain significance (1 of 4 stars; one submission).

Allele frequency attached by ClinVar (database versions not stated): gnomAD 0.00004; TOPMed 0.00005.
gnomAD v4.1: 110 of 1,610,678 alleles (0.0068%); highest among the groups gnomAD compares: Middle Eastern, 0.1%; no homozygotes.

Submission:

Labcorp Genetics (formerly Invitae), Labcorp
Classification: Uncertain significance. Last evaluated: 2022-09-01. Review status: criteria provided, single submitter. Criteria: Invitae Variant Classification Sherloc (09022015). Collection method: clinical testing. Allele origin: germline.
Comment: This sequence change replaces glutamic acid, which is acidic and polar, with aspartic acid, which is acidic and polar, at codon 21 of the APC2 protein (p.Glu21Asp). This variant is present in population databases (rs747551361, gnomAD 0.003%). This variant has not been reported in the literature in individuals affected with APC2-related conditions. Algorithms developed to predict the effect of missense changes on protein structure and function are either unavailable or do not agree on the potential impact of this missense change (SIFT: "Tolerated"; PolyPhen-2: "Possibly Damaging"; Align-GVGD: "Class C0"). In summary, the available evidence is currently insufficient to determine the role of this variant in disease. Therefore, it has been classified as a Variant of Uncertain Significance.